The following is an entry in ClinVar:

ClinVar aggregate classification (germline): Uncertain significance (1 of 4 stars; one submission).

Conditions:
Nemaline myopathy 7 (NEM7). Also called: Nemaline myopathy 7, autosomal recessive. Identifiers: Orphanet 171436, MedGen C1853154, MONDO:0012538, OMIM 610687.

Submission:

Labcorp Genetics (formerly Invitae), Labcorp
Classification: Uncertain significance for Nemaline myopathy 7. Last evaluated: 2022-04-11. Review status: criteria provided, single submitter. Criteria: Invitae Variant Classification Sherloc (09022015). Collection method: clinical testing. Allele origin: germline.
Comment: In summary, the available evidence is currently insufficient to determine the role of this variant in disease. Therefore, it has been classified as a Variant of Uncertain Significance. This sequence change replaces cysteine, which is neutral and slightly polar, with tyrosine, which is neutral and polar, at codon 39 of the CFL2 protein (p.Cys39Tyr). This variant is not present in population databases (gnomAD no frequency). This variant has not been reported in the literature in individuals affected with CFL2-related conditions. Algorithms developed to predict the effect of missense changes on protein structure and function (SIFT, PolyPhen-2, Align-GVGD) all suggest that this variant is likely to be disruptive.

NM_138638.5(CFL2):c.116G>A (p.Cys39Tyr)

Gene: CFL2 (cofilin 2; minus strand). Cytogenetic location: 14q13.1.
Variant type: single nucleotide variant.
Coding change: c.116G>A on transcript NM_138638.5 (MANE Select); coding-DNA position 116, G replaced by A.
Protein change: p.Cys39Tyr; replaces cysteine 39 with tyrosine.
Molecular consequence: missense variant. On other transcripts: non-coding transcript variant (1).
Genome position (GRCh38, 1-based): chr14:34,713,449, C>T on the plus strand (G>A on the coding strand, the complement: CFL2 is on the minus strand). VCF-style: chr14-34713449-C-T. GRCh37 (hg19) VCF-style: chr14-35182655-C-T.
Other names: c.65G>A, p.Cys22Tyr (NM_001243645.2); c.116G>A, p.Cys39Tyr (NM_021914.8); short protein forms C22Y, C39Y.
Identifiers: ClinVar variation 1964629 (VCV001964629.5), dbSNP rs2502579631, ClinGen allele CA389421942.
Genomic context (GRCh38, chr14:34,713,449, plus strand): 5'-TCACCCACCAAGATCTGCTTTGCTTCCTCTACAATTATTTGTCTTTTGTCATCGCTTAAA[C>T]AGAAGAGAACTGCTTTCTTTCTCTTTTTGATCTCCTCTTGTGTAGAAGATTTCCTTACTT-3'
Protein context (NP_619579.1, residues 29-49): IKKRKKAVLF[Cys39Tyr]LSDDKRQIIV